The following is an entry in ClinVar:

NM_001111125.3(IQSEC2):c.2531T>A (p.Ile844Asn)

Gene: IQSEC2 (IQ motif and Sec7 domain ArfGEF 2; minus strand). Cytogenetic location: Xp11.22.
Variant type: single nucleotide variant.
Coding change: c.2531T>A on transcript NM_001111125.3 (MANE Select); coding-DNA position 2531, T replaced by A.
Protein change: p.Ile844Asn; replaces isoleucine 844 with asparagine.
Molecular consequence: missense variant.
Genome position (GRCh38, 1-based): chrX:53,248,165, A>T on the plus strand (T>A on the coding strand, the complement: IQSEC2 is on the minus strand). VCF-style: chrX-53248165-A-T. GRCh37 (hg19) VCF-style: chrX-53277347-A-T.
Other names: c.2531T>A, p.Ile844Asn (NM_001410736.1); c.1916T>A, p.Ile639Asn (NM_015075.2); short protein forms I844N, I639N.
Identifiers: ClinVar variation 2831746 (VCV002831746.3), dbSNP rs2519780729, ClinGen allele CA413157039.
Genomic context (GRCh38, chrX:53,248,165, plus strand): 5'-TAGGCACACCTGAAGGCTTCGATGAGTCGCTCCACTTTCTGGGCCTCACCCTGAACCCGG[A>T]TATGGGACTGGAACTTCCGGAGCGCATCATCCAGATCCATGGAGGAGAAGTCCATCTCAT-3'
Protein context (NP_001104595.1, residues 834-854): DDALRKFQSH[Ile844Asn]RVQGEAQKVE

ClinVar aggregate classification (germline): Uncertain significance (1 of 4 stars; one submission).

Conditions:
Intellectual developmental disorder, X-linked 1. Also called: Atkin Flaitz Patil Smith syndrome; Intellectual disability, X-linked 1; MENTAL RETARDATION, X-LINKED 18; MENTAL RETARDATION, X-LINKED 78. Identifiers: Orphanet 777, MedGen C2931498, MONDO:0010656, OMIM 309530.

Submission:

Labcorp Genetics (formerly Invitae), Labcorp
Classification: Uncertain significance for Intellectual developmental disorder, X-linked 1. Last evaluated: 2023-01-24. Review status: criteria provided, single submitter. Criteria: Invitae Variant Classification Sherloc (09022015). Collection method: clinical testing. Allele origin: germline.
Comment: In summary, the available evidence is currently insufficient to determine the role of this variant in disease. Therefore, it has been classified as a Variant of Uncertain Significance. Algorithms developed to predict the effect of missense changes on protein structure and function (SIFT, PolyPhen-2, Align-GVGD) all suggest that this variant is likely to be disruptive. This variant has not been reported in the literature in individuals affected with IQSEC2-related conditions. This variant is not present in population databases (gnomAD no frequency). This sequence change replaces isoleucine, which is neutral and non-polar, with asparagine, which is neutral and polar, at codon 844 of the IQSEC2 protein (p.Ile844Asn).